The following is an entry in ClinVar:

ClinVar aggregate classification (germline): Uncertain significance (1 of 4 stars; one submission).

Conditions:
Short-rib thoracic dysplasia 13 with or without polydactyly (SRTD13). Identifiers: Orphanet 474, MedGen C4225378, MONDO:0014577, OMIM 616300.

Allele frequency attached by ClinVar (database versions not stated): gnomAD exomes 0.00001.
gnomAD v4.1: 3 of 1,611,770 alleles (0.00019%); highest among the groups gnomAD compares: East Asian, 0.0067%; no homozygotes.

Submission:

Labcorp Genetics (formerly Invitae), Labcorp
Classification: Uncertain significance for Short-rib thoracic dysplasia 13 with or without polydactyly. Last evaluated: 2022-06-06. Review status: criteria provided, single submitter. Criteria: Invitae Variant Classification Sherloc (09022015). Collection method: clinical testing. Allele origin: germline.
Comment: This sequence change replaces glutamic acid, which is acidic and polar, with glutamine, which is neutral and polar, at codon 133 of the CEP120 protein (p.Glu133Gln). This variant is not present in population databases (gnomAD no frequency). This variant has not been reported in the literature in individuals affected with CEP120-related conditions. Algorithms developed to predict the effect of missense changes on protein structure and function are either unavailable or do not agree on the potential impact of this missense change (SIFT: "Deleterious"; PolyPhen-2: "Probably Damaging"; Align-GVGD: "Class C0"). Algorithms developed to predict the effect of sequence changes on RNA splicing suggest that this variant may disrupt the consensus splice site. In summary, the available evidence is currently insufficient to determine the role of this variant in disease. Therefore, it has been classified as a Variant of Uncertain Significance.

NM_001375405.1(CEP120):c.397G>C (p.Glu133Gln)

Gene: CEP120 (centrosomal protein 120; minus strand). Cytogenetic location: 5q23.2.
Variant type: single nucleotide variant.
Coding change: c.397G>C on transcript NM_001375405.1 (MANE Select); coding-DNA position 397, G replaced by C.
Protein change: p.Glu133Gln; replaces glutamic acid 133 with glutamine.
Molecular consequence: missense variant. On other transcripts: 5 prime UTR variant (2), non-coding transcript variant (1).
Genome position (GRCh38, 1-based): chr5:123,412,465, C>G on the plus strand (G>C on the coding strand, the complement: CEP120 is on the minus strand). VCF-style: chr5-123412465-C-G. GRCh37 (hg19) VCF-style: chr5-122748159-C-G.
Other names: c.319G>C, p.Glu107Gln (NM_001166226.2); c.397G>C, p.Glu133Gln (NM_001375406.1, NM_001375407.1, NM_153223.4); c.-352G>C (NM_001375408.1); c.-294G>C (NM_001375409.1); short protein forms E133Q, E107Q.
Identifiers: ClinVar variation 2002500 (VCV002002500.4), dbSNP rs1774126692, ClinGen allele CA360895986.